The following is an entry in ClinVar:

ClinVar aggregate classification (germline): Conflicting classifications of pathogenicity. Review status: criteria provided, conflicting classifications (1 of 4 stars). 3 submissions from 3 submitters: Uncertain significance (1); Likely benign (1). 1 of the submissions does not count toward it. Last evaluated 2025-06-03.

Conditions:
Microcephalic osteodysplastic primordial dwarfism type II (MOPD2). Also called: Microcephalic osteodysplastic primordial dwarfism with tooth abnormalities; MOPD II; OSTEODYSPLASTIC PRIMORDIAL DWARFISM, TYPE II. Identifiers: Orphanet 2637, MedGen C0432246, MONDO:0008872, OMIM 210720.
PCNT-related disorder. Also called: PCNT-related condition.

Allele frequency attached by ClinVar (database versions not stated): TOPMed 0.00002.
gnomAD v4.1: 52 of 1,614,014 alleles (0.0032%); highest among the groups gnomAD compares: South Asian, 0.048%; 1 homozygote.

Submissions (3):

Labcorp Genetics (formerly Invitae), Labcorp
Classification: Likely benign. Last evaluated: 2025-06-03. Review status: criteria provided, single submitter. Criteria: Invitae Variant Classification Sherloc (09022015). Collection method: clinical testing. Allele origin: germline.

Illumina Laboratory Services, Illumina
Classification: Uncertain significance for Microcephalic osteodysplastic primordial dwarfism type II. Last evaluated: 2018-01-12. Review status: criteria provided, single submitter. Criteria: ICSL Variant Classification Criteria 13 December 2019. Collection method: clinical testing. Allele origin: germline.

PreventionGenetics, part of Exact Sciences
Classification: Likely benign for PCNT-related condition. Last evaluated: 2024-08-16. Review status: no assertion criteria provided. Collection method: clinical testing. Allele origin: germline. Not counted in ClinVar's aggregate classification.
Comment: This variant is classified as likely benign based on ACMG/AMP sequence variant interpretation guidelines (Richards et al. 2015 PMID: 25741868, with internal and published modifications).

NM_006031.6(PCNT):c.1716A>G (p.Lys572=)

Gene: PCNT (pericentrin; plus strand). Cytogenetic location: 21q22.3.
Variant type: single nucleotide variant.
Coding change: c.1716A>G on transcript NM_006031.6 (MANE Select); coding-DNA position 1716, A replaced by G.
Protein change: p.Lys572=; no amino-acid change (lysine 572 retained).
Molecular consequence: synonymous variant.
Genome position (GRCh38, 1-based): chr21:46,354,023, A>G. VCF-style: chr21-46354023-A-G. GRCh37 (hg19) VCF-style: chr21-47773937-A-G.
Other names: c.1362A>G, p.Lys454= (NM_001315529.2).
Identifiers: ClinVar variation 897232 (VCV000897232.12), dbSNP rs138617654, ClinGen allele CA10078715.